The following is an entry in ClinVar:

NM_000044.6(AR):c.179A>T (p.Gln60Leu)

Genes: AR (androgen receptor; plus strand), LOC109504725 (androgen receptor repeat instability region; plus strand). Cytogenetic location: Xq12.
Variant type: single nucleotide variant.
Coding change: c.179A>T on transcript NM_000044.6 (MANE Select); coding-DNA position 179, A replaced by T.
Protein change: p.Gln60Leu; replaces glutamine 60 with leucine.
Molecular consequence: missense variant. On other transcripts: 5 prime UTR variant (1).
Genome position (GRCh38, 1-based): chrX:67,545,325, A>T. VCF-style: chrX-67545325-A-T. GRCh37 (hg19) VCF-style: chrX-66765167-A-T.
Other names: c.179A>T, p.Gln60Leu (NM_001348064.1, NM_001348061.1, NM_001348063.1); c.-1605A>T (NM_001011645.3); short protein forms Q60L.
Identifiers: ClinVar variation 2389041 (VCV002389041.29), dbSNP rs868302830, ClinGen allele CA330757112.

ClinVar aggregate classification (germline): Conflicting classifications of pathogenicity. Review status: criteria provided, conflicting classifications (1 of 4 stars). 2 submissions from 2 submitters: Uncertain significance (1); Likely benign (1). Last evaluated 2024-05-01.

Conditions:
Inborn genetic diseases. Identifiers: MedGen C0950123, MeSH D030342.

Allele frequency attached by ClinVar (database versions not stated): gnomAD exomes 0.00007; gnomAD 0.00013.
gnomAD v4.1: 26 of 762,566 alleles (0.0034%); highest among the groups gnomAD compares: African/African-American, 0.04%; no homozygotes.

Submissions (2):

CeGaT Center for Human Genetics Tuebingen
Classification: Likely benign. Last evaluated: 2024-05-01. Review status: criteria provided, single submitter. Criteria: CeGaT Center For Human Genetics Tuebingen Variant Classification Criteria Version 2. Collection method: clinical testing. Allele origin: germline. Affected: yes. Observed: 2 variant alleles.
Comment: AR: BS2

Ambry Genetics
Classification: Uncertain significance for Inborn genetic diseases. Last evaluated: 2021-06-18. Review status: criteria provided, single submitter. Criteria: Ambry Variant Classification Scheme 2023. Collection method: clinical testing. Allele origin: germline.